The following is an entry in ClinVar:

NC_000011.9:g.(?_2188266)_(2189719_?)del

Gene: TH (tyrosine hydroxylase; minus strand). Cytogenetic location: 11p15.5.
Variant type: Deletion.
Identifiers: ClinVar variation 3244626 (VCV003244626.1).

ClinVar aggregate classification (germline): Likely pathogenic (1 of 4 stars; one submission).

Conditions:
TH-deficient dopa-responsive dystonia. Also called: DYT-TH; Tyrosine Hydroxylase-Deficient Dopa-Responsive Dystonia; Segawa syndrome, autosomal recessive. Identifiers: Orphanet 101150, MedGen C2673535, MONDO:0011551, OMIM 605407.

Submission:

Labcorp Genetics (formerly Invitae), Labcorp
Classification: Likely pathogenic for TH-deficient dopa-responsive dystonia. Last evaluated: 2021-04-08. Review status: criteria provided, single submitter. Criteria: Invitae Variant Classification Sherloc (09022015). Collection method: clinical testing. Allele origin: unknown.
Comment: In summary, the currently available evidence indicates that the variant is pathogenic, but additional data are needed to prove that conclusively. Therefore, this variant has been classified as Likely Pathogenic. This variant disrupts the p.Arg233 amino acid residue in TH. Other variant(s) that disrupt this residue have been determined to be pathogenic (PMID: 9703425, 10407773, 20430833, 20823027, 24753243, 20492352, 26276013). This suggests that this residue is clinically significant, and that variants that disrupt this residue are likely to be disease-causing. This variant has not been reported in the literature in individuals with TH-related conditions. This variant is an in-frame deletion of the genomic region encompassing exon(s) 5-7 of the TH gene. It preserves the integrity of the reading frame.

Literature cited by the submitters: PubMed 9703425; PubMed 10407773; PubMed 20430833; PubMed 20823027; PubMed 24753243; PubMed 20492352; PubMed 26276013.